The following is an entry in ClinVar:

NM_001130823.3(DNMT1):c.3657C>T (p.Thr1219=)

Gene: DNMT1 (DNA methyltransferase 1; minus strand). Cytogenetic location: 19p13.2.
Variant type: single nucleotide variant.
Coding change: c.3657C>T on transcript NM_001130823.3 (MANE Select); coding-DNA position 3657, C replaced by T.
Protein change: p.Thr1219=; no amino-acid change (threonine 1219 retained).
Molecular consequence: synonymous variant.
Genome position (GRCh38, 1-based): chr19:10,140,195, G>A on the plus strand (C>T on the coding strand, the complement: DNMT1 is on the minus strand). VCF-style: chr19-10140195-G-A. GRCh37 (hg19) VCF-style: chr19-10250871-G-A.
Other names: c.3657C>T (NM_001130823.2); c.3609C>T, p.Thr1203= (NM_001318730.2, NM_001379.4); c.3294C>T, p.Thr1098= (NM_001318731.2).
Identifiers: ClinVar variation 1147219 (VCV001147219.10), dbSNP rs142378165, ClinGen allele CA9187698.
Genomic context (GRCh38, chr19:10,140,195, plus strand): 5'-CCCGCCGCACAGCATCTCCACGTCTCCCTTCTGGGGCAGCCGCTGGCCGCGGGAGTTGGT[G>A]GTCTCCCCAGCCATGACCAGCTTCAGCAGGATGTTGCAGTCCTCTGTGAACACTGTGGAG-3'
Protein context (NP_001124295.1, residues 1209-1229): ILLKLVMAGE[Thr1219=]TNSRGQRLPQ

ClinVar aggregate classification (germline): Likely benign. Review status: criteria provided, multiple submitters, no conflicts (2 of 4 stars). 2 submissions from 2 submitters: Likely benign (2). Last evaluated 2026-01-07.

Conditions:
DNMT1-related disorder. Also called: DNMT1-related condition. Identifiers: MedGen CN381527.
Hereditary sensory neuropathy-deafness-dementia syndrome. Also called: Hereditary sensory neuropathy type IE; HSN IE; NEUROPATHY, HEREDITARY SENSORY, WITH HEARING LOSS AND DEMENTIA; Hereditary Sensory and Autonomic Neuropathy Type 1E (HSAN1E). Identifiers: Orphanet 456318, MedGen C3279885, MONDO:0013584, OMIM 614116.

Allele frequency attached by ClinVar (database versions not stated): ExAC 0.00008; TOPMed 0.00008; gnomAD 0.00011; ESP Exome Variant Server 0.00015; 1000 Genomes Project 30x 0.00016; 1000 Genomes Project 0.00020.
gnomAD v4.1: 25 of 1,614,010 alleles (0.0015%); highest among the groups gnomAD compares: African/African-American, 0.031%; no homozygotes.

Submissions (2):

PreventionGenetics, part of Exact Sciences
Classification: Likely benign for DNMT1-related condition. Last evaluated: 2026-01-07. Review status: criteria provided, single submitter. Criteria: ACMG Guidelines, 2015. Collection method: clinical testing. Allele origin: germline.
Comment: This variant is classified as likely benign based on ACMG/AMP sequence variant interpretation guidelines (Richards et al. 2015 PMID: 25741868, with internal and published modifications).

Labcorp Genetics (formerly Invitae), Labcorp
Classification: Likely benign for Hereditary sensory neuropathy-deafness-dementia syndrome. Last evaluated: 2025-05-06. Review status: criteria provided, single submitter. Criteria: Invitae Variant Classification Sherloc (09022015). Collection method: clinical testing. Allele origin: germline.